The following is an entry in ClinVar:

ClinVar aggregate classification (germline): Pathogenic (1 of 4 stars; one submission).

Allele frequency attached by ClinVar (database versions not stated): TOPMed 0.00001.
gnomAD v4.1: 1 of 1,614,178 alleles (0.000062%); highest among the groups gnomAD compares: Non-Finnish European, 0.000085%; no homozygotes.

Submission:

GeneDx
Classification: Pathogenic. Last evaluated: 2015-09-14. Review status: criteria provided, single submitter. Criteria: GeneDx Variant Classification (06012015). Collection method: clinical testing. Allele origin: germline. Affected: yes.
Comment: The Y123X variant in the SPR gene has not been reported previously as a pathogenic variant nor as a benign polymorphism, to our knowledge. However, a missense variant at the same residue (Y123C), has been found in the homozygous state in two siblings with sepiapterin reductase deficiency characterized by dopa responsive dystonia (Koht et al., 2014). The Y123X variant is predicted to cause loss of normal protein function either through protein truncation or nonsense-mediated mRNA decay. The Y123X variant was not observed in approximately 6500 individuals of European and African American ancestry in the NHLBI Exome Sequencing Project, indicating it is not a common benign variant in these populations. Therefore, we interpret Y123X as a pathogenic variant.

NM_003124.5(SPR):c.369C>G (p.Tyr123Ter)

Gene: SPR (sepiapterin reductase; plus strand). Cytogenetic location: 2p13.2.
Variant type: single nucleotide variant.
Coding change: c.369C>G on transcript NM_003124.5 (MANE Select); coding-DNA position 369, C replaced by G.
Protein change: p.Tyr123Ter; replaces tyrosine 123 with a stop codon.
Molecular consequence: nonsense.
Genome position (GRCh38, 1-based): chr2:72,888,378, C>G. VCF-style: chr2-72888378-C-G. GRCh37 (hg19) VCF-style: chr2-73115507-C-G.
Other names: short protein forms Y123*.
Identifiers: ClinVar variation 429901 (VCV000429901.2), dbSNP rs146349901, ClinGen allele CA347231468.